The following is an entry in ClinVar:

ClinVar aggregate classification (germline): Uncertain significance. Review status: criteria provided, multiple submitters, no conflicts (2 of 4 stars). 2 submissions from 2 submitters: Uncertain significance (2). Last evaluated 2023-10-02.

Conditions:
Hypokalemic periodic paralysis, type 1. Also called: HypoPP; Hypokalemic Periodic Paralysis Type 1 (AD). Identifiers: Orphanet 681, MedGen C3714580, MONDO:0042979, OMIM 170400.
Malignant hyperthermia, susceptibility to, 5 (MHS5). Also called: CACNA1S-Related Malignant Hyperthermia Susceptibility. Identifiers: Orphanet 423, MedGen C1866077, MONDO:0011163, OMIM 601887.

Allele frequency attached by ClinVar (database versions not stated): gnomAD exomes below 0.00001; TOPMed 0.00001.

Submissions (2):

All of Us Research Program, National Institutes of Health
Classification: Uncertain significance for Malignant hyperthermia, susceptibility to, 5. Last evaluated: 2023-10-02. Review status: criteria provided, single submitter. Criteria: ACMG Guidelines, 2015. Collection method: clinical testing. Allele origin: germline. Inheritance: Autosomal dominant inheritance. Observed: 1 variant allele, 1 heterozygote.
Comment: This missense variant replaces aspartic acid with glycine at codon 77 of the CACNA1S protein. Computational prediction suggests that this variant may have deleterious impact on protein structure and function (internally defined REVEL score threshold >= 0.7, PMID: 27666373). To our knowledge, functional studies have not been reported for this variant. This variant has not been reported in individuals affected with CACNA1S-related disorders in the literature. This variant has not been identified in the general population by the Genome Aggregation Database (gnomAD). The available evidence is insufficient to determine the role of this variant in disease conclusively. Therefore, this variant is classified as a Variant of Uncertain Significance.

This study involves interpretation of variants in research participants for the purpose of population health screening. Participant phenotype was not available at the time of variant classification. Additional details can be found in publication PMID: 35346344, PMCID: PMC8962531

Labcorp Genetics (formerly Invitae), Labcorp
Classification: Uncertain significance for Hypokalemic periodic paralysis, type 1; Malignant hyperthermia, susceptibility to, 5. Last evaluated: 2022-11-14. Review status: criteria provided, single submitter. Criteria: Invitae Variant Classification Sherloc (09022015). Collection method: clinical testing. Allele origin: germline.
Comment: In summary, the available evidence is currently insufficient to determine the role of this variant in disease. Therefore, it has been classified as a Variant of Uncertain Significance. This sequence change replaces aspartic acid, which is acidic and polar, with glycine, which is neutral and non-polar, at codon 77 of the CACNA1S protein (p.Asp77Gly). This variant is not present in population databases (gnomAD no frequency). This variant has not been reported in the literature in individuals affected with CACNA1S-related conditions. Advanced modeling of protein sequence and biophysical properties (such as structural, functional, and spatial information, amino acid conservation, physicochemical variation, residue mobility, and thermodynamic stability) performed at Invitae indicates that this missense variant is not expected to disrupt CACNA1S protein function.

NM_000069.3(CACNA1S):c.230A>G (p.Asp77Gly)

Gene: CACNA1S (calcium voltage-gated channel subunit alpha1 S; minus strand). Cytogenetic location: 1q32.1.
Variant type: single nucleotide variant.
Coding change: c.230A>G on transcript NM_000069.3 (MANE Select); coding-DNA position 230, A replaced by G.
Protein change: p.Asp77Gly; replaces aspartic acid 77 with glycine.
Molecular consequence: missense variant.
Genome position (GRCh38, 1-based): chr1:201,110,192, T>C on the plus strand (A>G on the coding strand, the complement: CACNA1S is on the minus strand). VCF-style: chr1-201110192-T-C. GRCh37 (hg19) VCF-style: chr1-201079320-T-C.
Other names: short protein forms D77G.
Identifiers: ClinVar variation 2164869 (VCV002164869.5), dbSNP rs1663045058, ClinGen allele CA344155834.